The following is an entry in ClinVar:

ClinVar aggregate classification (germline): Uncertain significance (1 of 4 stars; one submission).

Conditions:
Peroxisome biogenesis disorder 7A (Zellweger). Also called: Peroxisome biogenesis disorder 7A. Identifiers: Orphanet 912, MedGen C3888385, MONDO:0013938, OMIM 614872.
Peroxisome biogenesis disorder 7B (PBD7B). Identifiers: Orphanet 44, MedGen C3553951, MONDO:0013939, OMIM 614873.

Allele frequency attached by ClinVar (database versions not stated): TOPMed below 0.00001; gnomAD exomes 0.00001 and 0.00002.

Submission:

Labcorp Genetics (formerly Invitae), Labcorp
Classification: Uncertain significance for Peroxisome biogenesis disorder 7A (Zellweger); Peroxisome biogenesis disorder 7B. Last evaluated: 2022-10-24. Review status: criteria provided, single submitter. Criteria: Invitae Variant Classification Sherloc (09022015). Collection method: clinical testing. Allele origin: germline.
Comment: This sequence change replaces proline, which is neutral and non-polar, with leucine, which is neutral and non-polar, at codon 18 of the PEX26 protein (p.Pro18Leu). This variant is present in population databases (no rsID available, gnomAD 0.004%). This variant has not been reported in the literature in individuals affected with PEX26-related conditions. ClinVar contains an entry for this variant (Variation ID: 1518239). Algorithms developed to predict the effect of missense changes on protein structure and function (SIFT, PolyPhen-2, Align-GVGD) all suggest that this variant is likely to be tolerated. In summary, the available evidence is currently insufficient to determine the role of this variant in disease. Therefore, it has been classified as a Variant of Uncertain Significance.

NM_001127649.3(PEX26):c.53C>T (p.Pro18Leu)

Gene: PEX26 (peroxisomal biogenesis factor 26; plus strand). Cytogenetic location: 22q11.21.
Variant type: single nucleotide variant.
Coding change: c.53C>T on transcript NM_001127649.3 (MANE Select); coding-DNA position 53, C replaced by T.
Protein change: p.Pro18Leu; replaces proline 18 with leucine.
Molecular consequence: missense variant.
Genome position (GRCh38, 1-based): chr22:18,078,429, C>T. VCF-style: chr22-18078429-C-T. GRCh37 (hg19) VCF-style: chr22-18561195-C-T.
Other names: c.53C>T, p.Pro18Leu (NM_001199319.2, NM_017929.6); short protein forms P18L.
Identifiers: ClinVar variation 1518239 (VCV001518239.5), dbSNP rs1295117804, ClinGen allele CA410264220.